The following is an entry in ClinVar:

NM_000492.4(CFTR):c.4018G>A (p.Val1340Met)

Gene: CFTR (CF transmembrane conductance regulator; plus strand). Cytogenetic location: 7q31.2.
Variant type: single nucleotide variant.
Coding change: c.4018G>A on transcript NM_000492.4 (MANE Select); coding-DNA position 4018, G replaced by A.
Protein change: p.Val1340Met; replaces valine 1340 with methionine.
Molecular consequence: missense variant.
Genome position (GRCh38, 1-based): chr7:117,664,742, G>A. VCF-style: chr7-117664742-G-A. GRCh37 (hg19) VCF-style: chr7-117304796-G-A.
Other names: short protein forms V1340M.
Identifiers: ClinVar variation 4001869 (VCV004001869.1).

ClinVar aggregate classification (germline): Uncertain significance (1 of 4 stars; one submission).

Conditions:
Cystic fibrosis (CF). Also called: MUCOVISCIDOSIS. Identifiers: Orphanet 586, MedGen C0010674, MONDO:0009061, OMIM 219700. Disease mechanism: loss of function.

Submission:

Ambry Genetics
Classification: Uncertain significance for Cystic fibrosis. Last evaluated: 2025-05-19. Review status: criteria provided, single submitter. Criteria: Ambry Variant Classification Scheme 2023. Collection method: clinical testing. Allele origin: germline.
Comment: The p.V1340M variant (also known as c.4018G>A), located in coding exon 25 of the CFTR gene, results from a G to A substitution at nucleotide position 4018. The valine at codon 1340 is replaced by methionine, an amino acid with highly similar properties. This amino acid position is conserved. In addition, the in silico prediction for this alteration is inconclusive. Based on the available evidence, the clinical significance of this variant remains unclear.